The following is an entry in ClinVar:

ClinVar aggregate classification (germline): Uncertain significance (1 of 4 stars; one submission).

Submission:

Labcorp Genetics (formerly Invitae), Labcorp
Classification: Uncertain significance. Last evaluated: 2024-07-25. Review status: criteria provided, single submitter. Criteria: Invitae Variant Classification Sherloc (09022015). Collection method: clinical testing. Allele origin: germline.
Comment: This variant, c.2298_2300del, results in the deletion of 1 amino acid(s) of the SALL2 protein (p.Glu769del), but otherwise preserves the integrity of the reading frame. This variant is not present in population databases (gnomAD no frequency). This variant has not been reported in the literature in individuals affected with SALL2-related conditions. Experimental studies and prediction algorithms are not available or were not evaluated, and the functional significance of this variant is currently unknown. In summary, the available evidence is currently insufficient to determine the role of this variant in disease. Therefore, it has been classified as a Variant of Uncertain Significance.

NM_001364564.1(SALL2):c.2286GGA[2] (p.Glu767del)

Gene: SALL2 (spalt like transcription factor 2; minus strand). Cytogenetic location: 14q11.2.
Variant type: Microsatellite.
Coding change: c.2286GGA[2] on transcript NM_001364564.1 (MANE Select); two copies in a row of the 3-base unit GGA starting at c.2286; the reference has three copies in a row; one copy, 3 bases deleted.
Protein change: p.Glu767del; deletes glutamic acid 767.
Genome position (GRCh38, 1-based): chr14:21,523,428-21,523,430, TCC deleted on the plus strand (GGA on the coding strand, the reverse complement: SALL2 is on the minus strand); deleting any 3 consecutive bases within chr14:21,523,428-21,523,438 gives the same sequence; the position shown is the placement nearest the transcript's 3' end. VCF-style (leftmost placement, unchanged base first): chr14-21523427-TTCC-T. GRCh37 (hg19) VCF-style: chr14-21991561-TTCC-T.
Other names: c.1887GGA[2], p.Glu634del (NM_001291446.2); c.1881GGA[2], p.Glu632del (NM_001291447.2); c.2292GGA[2], p.Glu769del (NM_005407.3); short protein forms E632del, E634del, E769del, E767del.
Identifiers: ClinVar variation 3660008 (VCV003660008.2).